The following is an entry in ClinVar:

NM_000342.4(SLC4A1):c.1742C>A (p.Thr581Asn)

Gene: SLC4A1 (solute carrier family 4 member 1 (Diego blood group); minus strand). Cytogenetic location: 17q21.31.
Variant type: single nucleotide variant.
Coding change: c.1742C>A on transcript NM_000342.4 (MANE Select); coding-DNA position 1742, C replaced by A.
Protein change: p.Thr581Asn; replaces threonine 581 with asparagine.
Molecular consequence: missense variant.
Genome position (GRCh38, 1-based): chr17:44,255,731, G>T on the plus strand (C>A on the coding strand, the complement: SLC4A1 is on the minus strand). VCF-style: chr17-44255731-G-T. GRCh37 (hg19) VCF-style: chr17-42333099-G-T.
Other names: p.Thr581Asn; short protein forms T581N.
Identifiers: ClinVar variation 2066949 (VCV002066949.8), dbSNP rs142161945, ClinGen allele CA8600206.

ClinVar aggregate classification (germline): Conflicting classifications of pathogenicity. Review status: criteria provided, conflicting classifications (1 of 4 stars). 3 submissions from 3 submitters: Uncertain significance (2); Likely benign (1). Last evaluated 2025-11-18.

Allele frequency attached by ClinVar (database versions not stated): gnomAD exomes 0.00002; ExAC 0.00011; ESP Exome Variant Server 0.00023; gnomAD 0.00025; TOPMed 0.00026; 1000 Genomes Project 30x 0.00031; 1000 Genomes Project 0.00040.
gnomAD v4.1: 71 of 1,614,112 alleles (0.0044%); highest among the groups gnomAD compares: African/African-American, 0.087%; no homozygotes.

Submissions (3):

Labcorp Genetics (formerly Invitae), Labcorp
Classification: Likely benign. Last evaluated: 2025-11-18. Review status: criteria provided, single submitter. Criteria: Invitae Variant Classification Sherloc (09022015). Collection method: clinical testing. Allele origin: germline.

Mayo Clinic Laboratories, Mayo Clinic
Classification: Uncertain significance. Last evaluated: 2025-06-11. Review status: criteria provided, single submitter. Criteria: ACMG Guidelines, 2015. Collection method: clinical testing. Allele origin: germline. Observed: 1 variant allele.
Comment: PP3, PM2_supporting

Revvity Omics, Revvity
Classification: Uncertain significance. Last evaluated: 2023-04-18. Review status: criteria provided, single submitter. Criteria: ACMG Guidelines, 2015. Collection method: clinical testing. Allele origin: germline.

Literature cited by the submitters: PubMed 32154456 (cited by Mayo Clinic Laboratories, Mayo Clinic).